The following continues an entry in ClinVar:

NM_000059.4(BRCA2):c.6468_6469del (p.Gln2157fs)

Gene: BRCA2. ClinVar aggregate classification (germline): Pathogenic. Pathogenic (1).

Submissions 8 to 25 of 30:

Fulgent Genetics
Classification: Pathogenic for Familial cancer of breast; Medulloblastoma; Familial prostate cancer; Wilms tumor 1; Fanconi anemia complementation group D1; Breast-ovarian cancer, familial, susceptibility to, 2; Glioma susceptibility 3; Pancreatic cancer, susceptibility to, 2. Last evaluated: 2024-06-17. Review status: criteria provided, single submitter. Criteria: ACMG Guidelines, 2015. Collection method: clinical testing. Allele origin: germline. Not counted in ClinVar's aggregate classification.

Baylor Genetics
Classification: Pathogenic for Familial cancer of breast. Last evaluated: 2024-03-29. Review status: criteria provided, single submitter. Criteria: ACMG Guidelines, 2015. Collection method: clinical testing. Allele origin: unknown. Not counted in ClinVar's aggregate classification.

Color Diagnostics, LLC DBA Color Health
Classification: Pathogenic for Hereditary cancer-predisposing syndrome. Last evaluated: 2023-08-30. Review status: criteria provided, single submitter. Criteria: ACMG Guidelines, 2015. Collection method: clinical testing. Allele origin: germline. Not counted in ClinVar's aggregate classification.
Comment: This variant deletes 2 nucleotides in exon 11 of the BRCA2 gene, creating a frameshift and premature translation stop signal. This variant is expected to result in an absent or non-functional protein product. This variant is also known as c.6696_6697delTC and 6696delTC in the literature. This variant has been reported in many individuals affected with breast and/or ovarian cancer, prostate cancer, or pancreatic cancer (PMID: 33471991, 31214711, 30287823, 23096105, 21989927, 17591842, 17513806, 17224268, 15024741, 12543786, 12181777, 11056688, 11030417, 10739756). This variant has been reported in families with suspected hereditary breast and ovarian cancer syndrome, including 52 families among the CIMBA participants (PMID: 31528241, 29446198, 18821011, 18489799, 15340362, 10323242). This variant has not been identified in the general population by the Genome Aggregation Database (gnomAD). Loss of BRCA2 function is a known mechanism of disease. Based on the available evidence, this variant is classified as Pathogenic.

CeGaT Center for Human Genetics Tuebingen
Classification: Pathogenic. Last evaluated: 2022-12-01. Review status: criteria provided, single submitter. Criteria: CeGaT Center For Human Genetics Tuebingen Variant Classification Criteria Version 2. Collection method: clinical testing. Allele origin: germline. Affected: yes. Observed: 1 variant allele. Not counted in ClinVar's aggregate classification.
Comment: BRCA2: PVS1, PM2

Clinical Genetics Laboratory, Skane University Hospital Lund
Classification: Pathogenic. Last evaluated: 2022-05-27. Review status: criteria provided, single submitter. Criteria: ACMG Guidelines, 2015. Collection method: clinical testing. Allele origin: germline. Affected: yes. Not counted in ClinVar's aggregate classification.

Blueprint Genetics
Classification: Pathogenic for BRCA2-related disorders. Last evaluated: 2022-01-14. Review status: criteria provided, single submitter. Criteria: ACMG Guidelines, 2015. Collection method: clinical testing. Allele origin: germline. Affected: yes. Observed: 1 variant allele. Not counted in ClinVar's aggregate classification.

GeneDx
Classification: Pathogenic. Last evaluated: 2021-06-11. Review status: criteria provided, single submitter. Criteria: GeneDx Variant Classification Process June 2021. Collection method: clinical testing. Allele origin: germline. Affected: yes. Not counted in ClinVar's aggregate classification.
Comment: Frameshift variant predicted to result in protein truncation or nonsense mediated decay in a gene for which loss-of-function is a known mechanism of disease; Observed in several individuals with hereditary breast and ovarian cancer (Ottini 2000, Ottini 2003, Manoukian 2007, Veschi 2007, Papi 2009, Arai 2017); Truncating variants in this gene are considered pathogenic by a well-established clinical consortium and/or database; Not observed in large population cohorts (Lek 2016); Also known as 6696delTC; This variant is associated with the following publications: (PMID: 17591842, 17513806, 31512090, 10323242, 8988179, 23096105, 21989927, 17224268, 15024741, 18489799, 26187060, 18821011, 26315209, 25007954, 28152038, 29061375, 29176636, 29907814, 28724667, 30720863, 29506128, 30702160, 30322717, 31528241, 32058061, 31214711, 27535533, 11056688, 12543786)

Sema4
Classification: Pathogenic for Hereditary cancer-predisposing syndrome. Last evaluated: 2021-05-20. Review status: criteria provided, single submitter. Criteria: Sema4 Curation Guidelines. Collection method: curation. Allele origin: germline. Not counted in ClinVar's aggregate classification.
Comment: The BRCA2 c.6468_6469delTC (p. Q2157IfsX18) variant has been reported in several individuals with breast and/or ovarian cancer, pancreatic cancer, and uterine cancer (PMID: 23096105, 21989927, 12543786, 18821011). It is also known as 6696delTC in the literature. This variant causes a frameshift at amino acid 2157 that results in premature termination 18 amino acids downstream. At this location, this is predicted to cause nonsense-mediated decay and result in an absent protein (loss of function). Loss of function variants in BRCA2 are known to be pathogenic (PMID: 29446198). This variant is not reported in the population database Genome Aggregation Database (PMID: 27535533). This variant has been reported in ClinVar (Variation ID I38047). Based on the current evidence available, this variant is interpreted as pathogenic.

Women's Health and Genetics/Laboratory Corporation of America, LabCorp
Classification: Pathogenic for Hereditary breast ovarian cancer syndrome. Last evaluated: 2021-03-07. Review status: criteria provided, single submitter. Criteria: LabCorp Variant Classification Summary - May 2015. Collection method: clinical testing. Allele origin: germline. Not counted in ClinVar's aggregate classification.
Comment: Variant summary: BRCA2 c.6468_6469delTC (p.Gln2157IlefsX18) results in a premature termination codon, predicted to cause a truncation of the encoded protein or absence of the protein due to nonsense mediated decay, which are commonly known mechanisms for disease. Truncations downstream of this position have been classified as pathogenic by our laboratory. The variant was absent in 229584 control chromosomes. c.6468_6469delTC has been reported in the literature in multiple individuals affected with Hereditary Breast And Ovarian Cancer Syndrome (example, Gayther_1997, Krainer_1997, Ottini_2000, Ottini_2003, Marroni_2004, Machakova_2008, Liede_2002). These data indicate that the variant is very likely to be associated with disease. Multiple clinical diagnostic laboratories and an expert panel (ENIGMA) have submitted clinical-significance assessments for this variant to ClinVar after 2014 without evidence for independent evaluation. All submitters classified the variant as pathogenic. Based on the evidence outlined above, the variant was classified as pathogenic.

Department of Molecular Diagnostics, Institute of Oncology Ljubljana
Classification: Pathogenic for Breast-ovarian cancer, familial, susceptibility to, 1. Last evaluated: 2020-04-02. Review status: criteria provided, single submitter. Criteria: ACMG Guidelines, 2015. Collection method: clinical testing. Allele origin: germline. Affected: yes. Not counted in ClinVar's aggregate classification.

GeneKor MSA
Classification: Pathogenic. Last evaluated: 2020-01-01. Review status: criteria provided, single submitter. Criteria: ACMG Guidelines, 2015. Collection method: clinical testing. Allele origin: germline. Not counted in ClinVar's aggregate classification.
Comment: This variant is a 2 bp deletion at amino acid residue 2156 of the BRCA2 gene. It results in a frame-shift creating an unrecognizable protein after amino acid 2157 and a new stop codon 17 amino acid residues later, thus resulting in a truncated protein.

Laboratory for Molecular Medicine, Mass General Brigham Personalized Medicine
Classification: Pathogenic for Hereditary breast ovarian cancer syndrome. Last evaluated: 2019-04-24. Review status: criteria provided, single submitter. Criteria: LMM Criteria. Collection method: clinical testing. Allele origin: germline. Inheritance: Autosomal dominant inheritance. Observed: 1 variant allele. Not counted in ClinVar's aggregate classification.
Comment: The p.Gln2157IlefsX18 variant in BRCA2 has been reported in >30 individuals with BRCA2-associated cancers (Vietri 2012, Ghiorzo 2012, Manoukian 2007, Gao 2000, Veschi 2009, Papi 2007, Breast Cancer Information Core (BIC) database) and was absent from large population studies. This variant is predicted to cause a frameshift, which alters the proteinâ€™s amino acid sequence beginning at position 2157 and leads to a premature termination codon 18 amino acids downstream. This alteration is then predicted to lead to a truncated or absent protein. Heterozygous loss of function of the BRCA2 gene is an established disease mechanism in individuals with hereditary breast and ovarian cancer (HBOC). In addition, this variant was classified as Pathogenic on April 22, 2016 by the ClinGen-approved ENIGMA expert panel (ClinVar SCV000282426.1). In summary, this variant meets criteria to be classified as pathogenic for HBOC in an autosomal dominant manner based upon the predicted impact to the protein. ACMG/AMP Criteria applied: PVS1, PS4, PM2.

Mendelics
Classification: Pathogenic for Hereditary breast and ovarian cancer syndrome. Last evaluated: 2018-07-02. Review status: criteria provided, single submitter. Criteria: Mendelics Assertion Criteria 2017. Collection method: clinical testing. Allele origin: unknown. Not counted in ClinVar's aggregate classification.

Fulgent Genetics
Classification: Pathogenic for Breast-ovarian cancer, familial, susceptibility to, 2. Last evaluated: 2016-01-29. Review status: criteria provided, single submitter. Criteria: ACMG Guidelines, 2015. Collection method: clinical testing. Allele origin: unknown. Not counted in ClinVar's aggregate classification.

Consortium of Investigators of Modifiers of BRCA1/2 (CIMBA), c/o University of Cambridge
Classification: Pathogenic for Breast-ovarian cancer, familial, susceptibility to, 2. Last evaluated: 2015-10-02. Review status: criteria provided, single submitter. Criteria: CIMBA Mutation Classification guidelines May 2016. Collection method: clinical testing. Allele origin: germline. Not counted in ClinVar's aggregate classification.

Laboratory for Genotyping Development, RIKEN
Classification: Pathogenic for Gastric cancer. Last evaluated: 2021-07-01. Review status: no assertion criteria provided. Collection method: research. Allele origin: germline. Not counted in ClinVar's aggregate classification.

BRCAlab, Lund University
Classification: Pathogenic for Breast-ovarian cancer, familial, susceptibility to, 2. Last evaluated: 2020-03-02. Review status: no assertion criteria provided. Collection method: clinical testing. Allele origin: germline. Affected: yes. Not counted in ClinVar's aggregate classification.

German Consortium for Hereditary Breast and Ovarian Cancer, University Hospital Cologne
Classification: Pathogenic for Ovarian neoplasm. Last evaluated: 2018-12-01. Review status: no assertion criteria provided. Collection method: research. Allele origin: somatic. Affected: yes. Not counted in ClinVar's aggregate classification.